The following is an entry in ClinVar:

NM_033419.5(PGAP3):c.395C>G (p.Ser132Cys)

Gene: PGAP3 (post-GPI attachment to proteins phospholipase 3; minus strand). Cytogenetic location: 17q12.
Variant type: single nucleotide variant.
Coding change: c.395C>G on transcript NM_033419.5 (MANE Select); coding-DNA position 395, C replaced by G.
Protein change: p.Ser132Cys; replaces serine 132 with cysteine.
Molecular consequence: missense variant. On other transcripts: intron variant (1).
Genome position (GRCh38, 1-based): chr17:39,684,634, G>C on the plus strand (C>G on the coding strand, the complement: PGAP3 is on the minus strand). VCF-style: chr17-39684634-G-C. GRCh37 (hg19) VCF-style: chr17-37840887-G-C.
Other names: c.395C>G, p.Ser132Cys (NM_001291728.2, NM_001291730.2, NM_001291732.2 and 1 more transcripts); c.279+1288C>G (NM_001291726.2); short protein forms S132C.
Identifiers: ClinVar variation 2416842 (VCV002416842.3), dbSNP rs758135930, ClinGen allele CA8533379.

ClinVar aggregate classification (germline): Uncertain significance (1 of 4 stars; one submission).

Allele frequency attached by ClinVar (database versions not stated): ExAC 0.00003; gnomAD exomes 0.00005; TOPMed 0.00007.
gnomAD v4.1: 75 of 1,613,974 alleles (0.0046%); highest among the groups gnomAD compares: Middle Eastern, 0.016%; no homozygotes.

Submission:

Labcorp Genetics (formerly Invitae), Labcorp
Classification: Uncertain significance. Last evaluated: 2022-09-17. Review status: criteria provided, single submitter. Criteria: Invitae Variant Classification Sherloc (09022015). Collection method: clinical testing. Allele origin: germline.
Comment: This sequence change replaces serine, which is neutral and polar, with cysteine, which is neutral and slightly polar, at codon 132 of the PGAP3 protein (p.Ser132Cys). This variant is present in population databases (rs758135930, gnomAD 0.01%). This variant has not been reported in the literature in individuals affected with PGAP3-related conditions. Advanced modeling of protein sequence and biophysical properties (such as structural, functional, and spatial information, amino acid conservation, physicochemical variation, residue mobility, and thermodynamic stability) has been performed at Invitae for this missense variant, however the output from this modeling did not meet the statistical confidence thresholds required to predict the impact of this variant on PGAP3 protein function. In summary, the available evidence is currently insufficient to determine the role of this variant in disease. Therefore, it has been classified as a Variant of Uncertain Significance.